The following is an entry in ClinVar:

NM_005560.6(LAMA5):c.9555C>T (p.Leu3185=)

Gene: LAMA5 (laminin subunit alpha 5; minus strand). Cytogenetic location: 20q13.33.
Variant type: single nucleotide variant.
Coding change: c.9555C>T on transcript NM_005560.6 (MANE Select); coding-DNA position 9555, C replaced by T.
Protein change: p.Leu3185=; no amino-acid change (leucine 3185 retained).
Molecular consequence: synonymous variant.
Genome position (GRCh38, 1-based): chr20:62,312,000, G>A on the plus strand (C>T on the coding strand, the complement: LAMA5 is on the minus strand). VCF-style: chr20-62312000-G-A. GRCh37 (hg19) VCF-style: chr20-60887056-G-A.
Identifiers: ClinVar variation 3040092 (VCV003040092.2), dbSNP rs147586069, ClinGen allele CA9940163.

ClinVar aggregate classification (germline): Likely benign (0 of 4 stars; one submission).

Conditions:
LAMA5-related disorder. Also called: LAMA5-Related Disorders; LAMA5-related condition.

Allele frequency attached by ClinVar (database versions not stated): ESP Exome Variant Server 0.00038; ExAC 0.00006; gnomAD exomes 0.00008; gnomAD 0.00009; TOPMed 0.00009.
gnomAD v4.1: 134 of 1,612,594 alleles (0.0083%); highest among the groups gnomAD compares: Non-Finnish European, 0.01%; 1 homozygote.

Submission:

PreventionGenetics, part of Exact Sciences
Classification: Likely benign for LAMA5-related condition. Last evaluated: 2019-09-25. Review status: no assertion criteria provided. Collection method: clinical testing. Allele origin: germline.
Comment: This variant is classified as likely benign based on ACMG/AMP sequence variant interpretation guidelines (Richards et al. 2015 PMID: 25741868, with internal and published modifications).